The following is an entry in ClinVar:

NM_016222.4(DDX41):c.1399+4A>G

Gene: DDX41 (DEAD-box helicase 41; minus strand). Cytogenetic location: 5q35.3.
Variant type: single nucleotide variant.
Coding change: c.1399+4A>G on transcript NM_016222.4 (MANE Select); 4 bases into the intron after coding-DNA position 1399, A replaced by G.
Molecular consequence: intron variant.
Genome position (GRCh38, 1-based): chr5:177,512,776, T>C on the plus strand (A>G on the coding strand, the complement: DDX41 is on the minus strand). VCF-style: chr5-177512776-T-C. GRCh37 (hg19) VCF-style: chr5-176939777-T-C.
Other names: c.1021+4A>G (NM_001321830.2, NM_001321732.2).
Identifiers: ClinVar variation 4826040 (VCV004826040.1).

ClinVar aggregate classification (germline): Uncertain significance (1 of 4 stars; one submission).

Conditions:
Inborn genetic diseases. Identifiers: MedGen C0950123, MeSH D030342.

gnomAD v4.1: 6 of 1,614,098 alleles (0.00037%); highest among the groups gnomAD compares: Non-Finnish European, 0.00051%; no homozygotes.

Submission:

Ambry Genetics
Classification: Uncertain significance for Inborn genetic diseases. Last evaluated: 2026-02-27. Review status: criteria provided, single submitter. Criteria: Ambry Variant Classification Scheme 2023. Collection method: clinical testing. Allele origin: germline.
Comment: The c.1399+4A>G intronic variant results from an A to G substitution 4 nucleotides after coding exon 13 in the DDX41 gene. This nucleotide position is well conserved in available vertebrate species. In silico splice site analysis for this alteration is inconclusive. Based on the available evidence, the clinical significance of this variant remains unclear.